The following is an entry in ClinVar:

ClinVar aggregate classification (germline): Uncertain significance (1 of 4 stars; one submission).

Conditions:
Dystonic disorder. Also called: Dystonia. Identifiers: MedGen C0013421, MONDO:0003441, HP:0001332.

Allele frequency attached by ClinVar (database versions not stated): gnomAD exomes below 0.00001.
gnomAD v4.1: 1 of 1,614,178 alleles (0.000062%); highest among the groups gnomAD compares: Non-Finnish European, 0.000085%; no homozygotes.

Submission:

Labcorp Genetics (formerly Invitae), Labcorp
Classification: Uncertain significance for Dystonic disorder. Last evaluated: 2020-06-29. Review status: criteria provided, single submitter. Criteria: Invitae Variant Classification Sherloc (09022015). Collection method: clinical testing. Allele origin: germline.
Comment: Algorithms developed to predict the effect of missense changes on protein structure and function are either unavailable or do not agree on the potential impact of this missense change (SIFT: "Deleterious"; PolyPhen-2: "Probably Damaging"; Align-GVGD: "Class C0"). In summary, the available evidence is currently insufficient to determine the role of this variant in disease. Therefore, it has been classified as a Variant of Uncertain Significance. Algorithms developed to predict the effect of sequence changes on RNA splicing suggest that this variant may create or strengthen a splice site, but this prediction has not been confirmed by published transcriptional studies. This variant has not been reported in the literature in individuals with DRD2-related conditions. This variant is not present in population databases (ExAC no frequency). This sequence change replaces glycine with serine at codon 51 of the DRD2 protein (p.Gly51Ser). The glycine residue is highly conserved and there is a small physicochemical difference between glycine and serine.

NM_000795.4(DRD2):c.151G>A (p.Gly51Ser)

Gene: DRD2 (dopamine receptor D2; minus strand). Cytogenetic location: 11q23.2.
Variant type: single nucleotide variant.
Coding change: c.151G>A on transcript NM_000795.4 (MANE Select); coding-DNA position 151, G replaced by A.
Protein change: p.Gly51Ser; replaces glycine 51 with serine.
Molecular consequence: missense variant.
Genome position (GRCh38, 1-based): chr11:113,424,501, C>T on the plus strand (G>A on the coding strand, the complement: DRD2 is on the minus strand). VCF-style: chr11-113424501-C-T. GRCh37 (hg19) VCF-style: chr11-113295223-C-T.
Other names: c.151G>A, p.Gly51Ser (NM_016574.4); short protein forms G51S.
Identifiers: ClinVar variation 1009878 (VCV001009878.8), dbSNP rs1950919208, ClinGen allele CA382655029.